The following is an entry in ClinVar:

ClinVar aggregate classification (germline): Uncertain significance (1 of 4 stars; one submission).

Conditions:
Neurofibromatosis, type 1 (NF1). Also called: VON RECKLINGHAUSEN DISEASE; Neurofibromatosis, type I; NEUROFIBROMATOSIS, TYPE I, SOMATIC; Peripheral type neurofibromatosis. Identifiers: Orphanet 636, MedGen C0027831, MONDO:0018975, OMIM 162200. Disease mechanism: loss of function.

Submission:

Labcorp Genetics (formerly Invitae), Labcorp
Classification: Uncertain significance for Neurofibromatosis, type 1. Last evaluated: 2018-07-26. Review status: criteria provided, single submitter. Criteria: Invitae Variant Classification Sherloc (09022015). Collection method: clinical testing. Allele origin: germline.
Comment: Algorithms developed to predict the effect of missense changes on protein structure and function are either unavailable or do not agree on the potential impact of this missense change (SIFT: "Deleterious"; PolyPhen-2: "Probably Damaging"; Align-GVGD: "Class C0"). This sequence change replaces cysteine with tryptophan at codon 1861 of the NF1 protein (p.Cys1861Trp). The cysteine residue is moderately conserved and there is a large physicochemical difference between cysteine and tryptophan. This variant is not present in population databases (ExAC no frequency). This variant has not been reported in the literature in individuals with NF1-related disease. In summary, the available evidence is currently insufficient to determine the role of this variant in disease. Therefore, it has been classified as a Variant of Uncertain Significance.

NM_001042492.3(NF1):c.5646T>G (p.Cys1882Trp)

Gene: NF1 (neurofibromin 1; plus strand). Cytogenetic location: 17q11.2.
Variant type: single nucleotide variant.
Coding change: c.5646T>G on transcript NM_001042492.3 (MANE Select); coding-DNA position 5646, T replaced by G.
Protein change: p.Cys1882Trp; replaces cysteine 1882 with tryptophan.
Molecular consequence: missense variant.
Genome position (GRCh38, 1-based): chr17:31,330,332, T>G. VCF-style: chr17-31330332-T-G. GRCh37 (hg19) VCF-style: chr17-29657350-T-G.
Other names: c.5583T>G, p.Cys1861Trp (NM_000267.4); short protein forms C1882W, C1861W.
Identifiers: ClinVar variation 650987 (VCV000650987.5), dbSNP rs1597834659, ClinGen allele CA399010166.